The following is an entry in ClinVar:

ClinVar aggregate classification (germline): Likely pathogenic (1 of 4 stars; one submission).

Conditions:
IFT74-related disorder. Also called: IFT74-Related Disorders; IFT74-related condition.

gnomAD v4.1: 15 of 1,584,208 alleles (0.00095%); highest among the groups gnomAD compares: Non-Finnish European, 0.0012%; no homozygotes.

Submission:

PreventionGenetics, part of Exact Sciences
Classification: Likely pathogenic for IFT74-related condition. Last evaluated: 2026-07-29. Review status: criteria provided, single submitter. Criteria: ACMG Guidelines, 2015. Collection method: clinical testing. Allele origin: germline.
Comment: The IFT74 c.404+1G>A variant is predicted to disrupt the GT donor site and interfere with normal splicing. To our knowledge, this variant has not been reported in the literature or in a large population database, indicating this variant is rare. Variants that disrupt the consensus splice acceptor site in IFT74 are expected to be pathogenic. This variant is interpreted as likely pathogenic.

NM_025103.4(IFT74):c.404+1G>A

Gene: IFT74 (intraflagellar transport 74; plus strand). Cytogenetic location: 9p21.2.
Variant type: single nucleotide variant.
Coding change: c.404+1G>A on transcript NM_025103.4 (MANE Select); the canonical splice donor site of the intron after coding-DNA position 404, G replaced by A.
Molecular consequence: splice donor variant.
Genome position (GRCh38, 1-based): chr9:26,984,356, G>A. VCF-style: chr9-26984356-G-A. GRCh37 (hg19) VCF-style: chr9-26984354-G-A.
Other names: c.404+1G>A (NM_001099223.3, NM_001099222.3, NM_001349928.2 and 1 more transcripts).
Identifiers: ClinVar variation 4978871 (VCV004978871.1).